The following is an entry in ClinVar:

NM_033087.4(ALG2):c.1014G>C (p.Gln338His)

Gene: ALG2 (ALG2 alpha-1,3/1,6-mannosyltransferase; minus strand). Cytogenetic location: 9q22.33.
Variant type: single nucleotide variant.
Coding change: c.1014G>C on transcript NM_033087.4 (MANE Select); coding-DNA position 1014, G replaced by C.
Protein change: p.Gln338His; replaces glutamine 338 with histidine.
Molecular consequence: missense variant. On other transcripts: non-coding transcript variant (1).
Genome position (GRCh38, 1-based): chr9:99,218,171, C>G on the plus strand (G>C on the coding strand, the complement: ALG2 is on the minus strand). VCF-style: chr9-99218171-C-G. GRCh37 (hg19) VCF-style: chr9-101980453-C-G.
Other names: short protein forms Q338H.
Identifiers: ClinVar variation 1714929 (VCV001714929.5), dbSNP rs2118998218, ClinGen allele CA374226493.

ClinVar aggregate classification (germline): Uncertain significance (1 of 4 stars; one submission).

Conditions:
Congenital disorder of glycosylation, type Ii. Also called: CDG Ii; ALG2-congenital disorder of glycosylation; ALG2-CDG. Identifiers: Orphanet 79326, MedGen C1842836, MONDO:0011933, OMIM 607906.
Congenital myasthenic syndrome 14. Also called: Myasthenic syndrome, congenital, 14, with tubular aggregates. Identifiers: Orphanet 353327, Orphanet 590, MedGen C4015597, MONDO:0014543, OMIM 616228.

Submission:

Labcorp Genetics (formerly Invitae), Labcorp
Classification: Uncertain significance for Congenital disorder of glycosylation, type Ii; Congenital myasthenic syndrome 14. Last evaluated: 2024-10-15. Review status: criteria provided, single submitter. Criteria: Invitae Variant Classification Sherloc (09022015). Collection method: clinical testing. Allele origin: germline.
Comment: This sequence change replaces glutamine, which is neutral and polar, with histidine, which is basic and polar, at codon 338 of the ALG2 protein (p.Gln338His). This variant is not present in population databases (gnomAD no frequency). This variant has not been reported in the literature in individuals affected with ALG2-related conditions. ClinVar contains an entry for this variant (Variation ID: 1714929). An algorithm developed to predict the effect of missense changes on protein structure and function (PolyPhen-2) suggests that this variant is likely to be tolerated. In summary, the available evidence is currently insufficient to determine the role of this variant in disease. Therefore, it has been classified as a Variant of Uncertain Significance.